The following is an entry in ClinVar:

ClinVar aggregate classification (germline): Uncertain significance. Review status: criteria provided, multiple submitters, no conflicts (2 of 4 stars). 3 submissions from 3 submitters: Uncertain significance (3). Last evaluated 2024-07-29.

Conditions:
Hereditary breast ovarian cancer syndrome. Also called: BRCA1- and BRCA2-Associated Hereditary Breast and Ovarian Cancer; Hereditary breast and ovarian cancer; Hereditary breast and ovarian cancer syndrome (HBOC); Breast and ovarian cancer; Hereditary breast and ovarian cancer syndrome; Hereditary breast and/or ovarian cancer syndrome. Identifiers: Orphanet 145, MedGen C0677776, MeSH D061325, MONDO:0003582. Disease mechanism: loss of function.
BRCA2-related cancer predisposition. Identifiers: MedGen CN377758, MONDO:0700269.
Hereditary cancer-predisposing syndrome. Also called: Hereditary neoplastic syndrome; Tumor predisposition; Hereditary Cancer Syndrome; Neoplastic Syndromes, Hereditary. Identifiers: Orphanet 140162, MedGen C0027672, MeSH D009386, MONDO:0015356.

gnomAD v4.1: 3 of 1,613,308 alleles (0.00019%); highest among the groups gnomAD compares: East Asian, 0.0045%; no homozygotes.

Submissions (3):

All of Us Research Program, National Institutes of Health
Classification: Uncertain significance for BRCA2-related cancer predisposition. Last evaluated: 2024-07-29. Review status: criteria provided, single submitter. Criteria: ACMG Guidelines, 2015. Collection method: clinical testing. Allele origin: germline. Inheritance: Autosomal dominant inheritance. Observed: 1 variant allele, 1 heterozygote.
Comment: This missense variant replaces cysteine with arginine at codon 1621 of the BRCA2 protein. Computational prediction suggests that this variant may not impact protein structure and function (internally defined REVEL score threshold <= 0.5, PMID: 27666373). To our knowledge, functional studies have not been reported for this variant. In a large breast cancer case-control study conducted by the BRIDGES consortium, this variant was reported in 1/60466 cases, 0/53461 controls, showing inconclusive association with disease (p-value = 1); Leiden Open Variation Database DB-ID BRCA2_008262 (PMID: 33471991). This variant has been identified in 1/249826 chromosomes in the general population by the Genome Aggregation Database (gnomAD). The available evidence is insufficient to determine the role of this variant in disease conclusively. Therefore, this variant is classified as a Variant of Uncertain Significance.

This study involves interpretation of variants in research participants for the purpose of population health screening. Participant phenotype was not available at the time of variant classification. Additional details can be found in publication PMID: 35346344, PMCID: PMC8962531

Labcorp Genetics (formerly Invitae), Labcorp
Classification: Uncertain significance for Hereditary breast ovarian cancer syndrome. Last evaluated: 2024-06-22. Review status: criteria provided, single submitter. Criteria: Invitae Variant Classification Sherloc (09022015). Collection method: clinical testing. Allele origin: germline.
Comment: This sequence change replaces cysteine, which is neutral and slightly polar, with arginine, which is basic and polar, at codon 1621 of the BRCA2 protein (p.Cys1621Arg). The frequency data for this variant in the population databases is considered unreliable, as metrics indicate poor data quality at this position in the gnomAD database. This variant has not been reported in the literature in individuals affected with BRCA2-related conditions. ClinVar contains an entry for this variant (Variation ID: 2586287). Advanced modeling of protein sequence and biophysical properties (such as structural, functional, and spatial information, amino acid conservation, physicochemical variation, residue mobility, and thermodynamic stability) performed at Invitae indicates that this missense variant is not expected to disrupt BRCA2 protein function with a negative predictive value of 95%. In summary, the available evidence is currently insufficient to determine the role of this variant in disease. Therefore, it has been classified as a Variant of Uncertain Significance.

Ambry Genetics
Classification: Uncertain significance for Hereditary cancer-predisposing syndrome. Last evaluated: 2023-07-22. Review status: criteria provided, single submitter. Criteria: Ambry Variant Classification Scheme 2023. Collection method: clinical testing. Allele origin: germline.
Comment: The p.C1621R variant (also known as c.4861T>C), located in coding exon 10 of the BRCA2 gene, results from a T to C substitution at nucleotide position 4861. The cysteine at codon 1621 is replaced by arginine, an amino acid with highly dissimilar properties. This amino acid position is poorly conserved in available vertebrate species. In addition, this alteration is predicted to be tolerated by in silico analysis. Since supporting evidence is limited at this time, the clinical significance of this alteration remains unclear.

Literature cited by the submitters: PubMed 33471991 (cited by All of Us Research Program, National Institutes of Health).

NM_000059.4(BRCA2):c.4861T>C (p.Cys1621Arg)

Gene: BRCA2 (BRCA2 DNA repair associated; plus strand). Cytogenetic location: 13q13.1.
Variant type: single nucleotide variant.
Coding change: c.4861T>C on transcript NM_000059.4 (MANE Select); coding-DNA position 4861, T replaced by C.
Protein change: p.Cys1621Arg; replaces cysteine 1621 with arginine.
Molecular consequence: missense variant. On other transcripts: non-coding transcript variant (1), intron variant (2).
Genome position (GRCh38, 1-based): chr13:32,339,216, T>C. VCF-style: chr13-32339216-T-C. GRCh37 (hg19) VCF-style: chr13-32913353-T-C.
Other names: c.4861T>C, p.Cys1621Arg (NM_001406719.1, NM_001406720.1); c.1910-5342T>C (NM_001406721.1); c.425-5342T>C (NM_001406722.1); short protein forms C1621R.
Identifiers: ClinVar variation 2586287 (VCV002586287.6), dbSNP rs1060502419, ClinGen allele CA387783425.